The following is an entry in ClinVar:

ClinVar aggregate classification (germline): Uncertain significance. Review status: criteria provided, multiple submitters, no conflicts (2 of 4 stars). 2 submissions from 2 submitters: Uncertain significance (2). Last evaluated 2025-06-11.

Conditions:
Inborn genetic diseases. Identifiers: MedGen C0950123, MeSH D030342.
Fanconi anemia (FA). Also called: Fanconi's anemia. Identifiers: Orphanet 84, MedGen C0015625, MeSH D005199, MONDO:0019391.

gnomAD v4.1: 3 of 1,614,182 alleles (0.00019%); highest among the groups gnomAD compares: Non-Finnish European, 0.00025%; no homozygotes.

Submissions (2):

Labcorp Genetics (formerly Invitae), Labcorp
Classification: Uncertain significance for Fanconi anemia. Last evaluated: 2025-06-11. Review status: criteria provided, single submitter. Criteria: Invitae Variant Classification Sherloc (09022015). Collection method: clinical testing. Allele origin: germline.
Comment: This sequence change replaces alanine, which is neutral and non-polar, with valine, which is neutral and non-polar, at codon 272 of the FANCG protein (p.Ala272Val). This variant is not present in population databases (gnomAD no frequency). This variant has not been reported in the literature in individuals affected with FANCG-related conditions. ClinVar contains an entry for this variant (Variation ID: 3848381). Invitae Evidence Modeling of protein sequence and biophysical properties (such as structural, functional, and spatial information, amino acid conservation, physicochemical variation, residue mobility, and thermodynamic stability) indicates that this missense variant is expected to disrupt FANCG protein function with a positive predictive value of 80%. In summary, the available evidence is currently insufficient to determine the role of this variant in disease. Therefore, it has been classified as a Variant of Uncertain Significance.

Ambry Genetics
Classification: Uncertain significance for Inborn genetic diseases. Last evaluated: 2024-12-21. Review status: criteria provided, single submitter. Criteria: Ambry Variant Classification Scheme 2023. Collection method: clinical testing. Allele origin: germline.
Comment: The p.A272V variant (also known as c.815C>T), located in coding exon 7 of the FANCG gene, results from a C to T substitution at nucleotide position 815. The alanine at codon 272 is replaced by valine, an amino acid with similar properties. This amino acid position is conserved. In addition, the in silico prediction for this alteration is inconclusive. Based on the available evidence, the clinical significance of this variant remains unclear.

NM_004629.2(FANCG):c.815C>T (p.Ala272Val)

Gene: FANCG (FA complementation group G; minus strand). Cytogenetic location: 9p13.3.
Variant type: single nucleotide variant.
Coding change: c.815C>T on transcript NM_004629.2 (MANE Select); coding-DNA position 815, C replaced by T.
Protein change: p.Ala272Val; replaces alanine 272 with valine.
Molecular consequence: missense variant.
Genome position (GRCh38, 1-based): chr9:35,076,833, G>A on the plus strand (C>T on the coding strand, the complement: FANCG is on the minus strand). VCF-style: chr9-35076833-G-A. GRCh37 (hg19) VCF-style: chr9-35076830-G-A.
Other names: short protein forms A272V.
Identifiers: ClinVar variation 3848381 (VCV003848381.2).